The following is an entry in ClinVar:

ClinVar aggregate classification (germline): Benign. Review status: criteria provided, multiple submitters, no conflicts (2 of 4 stars). 3 submissions from 3 submitters: Benign (2). 1 of the submissions does not count toward it. Last evaluated 2021-05-04.

Conditions:
NUP155-related disorder. Also called: NUP155-related condition.

Allele frequency attached by ClinVar (database versions not stated): ESP Exome Variant Server 0.16146; gnomAD 0.16781 and 0.17228; TOPMed 0.17079; 1000 Genomes Project 30x 0.18395; 1000 Genomes Project 0.18870; ExAC 0.20755; gnomAD exomes 0.21056.
gnomAD v4.1: 334,791 of 1,610,576 alleles (21%); highest among the groups gnomAD compares: East Asian, 30%; 36,517 homozygotes.

Submissions (3):

GeneDx
Classification: Benign. Last evaluated: 2021-05-04. Review status: criteria provided, single submitter. Criteria: GeneDx Variant Classification Process June 2021. Collection method: clinical testing. Allele origin: germline. Affected: yes.

Breakthrough Genomics
Classification: Benign. Review status: criteria provided, single submitter. Criteria: ACMG Guidelines, 2015. Collection method: not provided. Allele origin: germline. Inheritance: Autosomal recessive inheritance. Affected: yes.

PreventionGenetics, part of Exact Sciences
Classification: Benign for NUP155-related condition. Last evaluated: 2019-10-21. Review status: no assertion criteria provided. Collection method: clinical testing. Allele origin: germline. Not counted in ClinVar's aggregate classification.
Comment: This variant is classified as benign based on ACMG/AMP sequence variant interpretation guidelines (Richards et al. 2015 PMID: 25741868, with internal and published modifications).

NM_153485.3(NUP155):c.1094-8A>G

Gene: NUP155 (nucleoporin 155; minus strand). Cytogenetic location: 5p13.2.
Variant type: single nucleotide variant.
Coding change: c.1094-8A>G on transcript NM_153485.3 (MANE Select); 8 bases into the intron before coding-DNA position 1094, A replaced by G.
Molecular consequence: intron variant.
Genome position (GRCh38, 1-based): chr5:37,341,250, T>C on the plus strand (A>G on the coding strand, the complement: NUP155 is on the minus strand). VCF-style: chr5-37341250-T-C. GRCh37 (hg19) VCF-style: chr5-37341352-T-C.
Other names: c.1094-8A>G (NM_001278312.2, NM_153485.2); c.917-8A>G (NM_004298.4).
Identifiers: ClinVar variation 1286819 (VCV001286819.4), dbSNP rs13172306, ClinGen allele CA3240146.